The following is an entry in ClinVar:

ClinVar aggregate classification (germline): Uncertain significance (1 of 4 stars; one submission).

gnomAD v4.1: 3 of 1,613,808 alleles (0.00019%); highest among the groups gnomAD compares: Non-Finnish European, 0.00025%; no homozygotes.

Submission:

Dasa
Classification: Uncertain significance. Last evaluated: 2026-01-09. Review status: criteria provided, single submitter. Criteria: DASA Assertion Criteria. Collection method: clinical testing. Allele origin: germline.
Comment: NM_001164508.2(NEB):c.3916A>G (p.Lys1306Glu) is a missense variant that results in the substitution of lysine with glutamic acid. This variant is rare in population databases. The currently available literature and clinical evidence are not sufficient to establish a definitive association between this variant and the reported condition. Therefore, this variant is classified as a variant of uncertain significance.

NM_001164508.2(NEB):c.3916A>G (p.Lys1306Glu)

Gene: NEB (nebulin; minus strand). Cytogenetic location: 2q23.3.
Variant type: single nucleotide variant.
Coding change: c.3916A>G on transcript NM_001164508.2 (MANE Select); coding-DNA position 3916, A replaced by G.
Protein change: p.Lys1306Glu; replaces lysine 1306 with glutamic acid.
Molecular consequence: missense variant.
Genome position (GRCh38, 1-based): chr2:151,674,548, T>C on the plus strand (A>G on the coding strand, the complement: NEB is on the minus strand). VCF-style: chr2-151674548-T-C. GRCh37 (hg19) VCF-style: chr2-152531062-T-C.
Other names: c.3916A>G, p.Lys1306Glu (NM_001164507.2, NM_001271208.2, NM_004543.5); short protein forms K1306E.
Identifiers: ClinVar variation 4881924 (VCV004881924.2).